The following is an entry in ClinVar:

NM_000214.3(JAG1):c.3343G>A (p.Val1115Met)

Gene: JAG1 (jagged canonical Notch ligand 1; minus strand). Cytogenetic location: 20p12.2.
Variant type: single nucleotide variant.
Coding change: c.3343G>A on transcript NM_000214.3 (MANE Select); coding-DNA position 3343, G replaced by A.
Protein change: p.Val1115Met; replaces valine 1115 with methionine.
Molecular consequence: missense variant.
Genome position (GRCh38, 1-based): chr20:10,639,812, C>T on the plus strand (G>A on the coding strand, the complement: JAG1 is on the minus strand). VCF-style: chr20-10639812-C-T. GRCh37 (hg19) VCF-style: chr20-10620460-C-T.
Other names: c.3343G>A, p.Val1115Met (LRG_1191t1); short protein forms V1115M.
Identifiers: ClinVar variation 337746 (VCV000337746.40), dbSNP rs148373907, ClinGen allele CA9764219.
Genomic context (GRCh38, chr20:10,639,812, plus strand): 5'-GGACCGTGTTGGCCCCATGTTTCTCAATGGGGTTTTTGATCTGGTTCAGCTGCTCCCGCA[C>T]GTTGTTGGTGGTGTTGTCCTCAGAGGCTGAGTGTGTGTGGCTGCCCGGCTTCCGCCGCTT-3'
Protein context (NP_000205.1, residues 1105-1125): SASEDNTTNN[Val1115Met]REQLNQIKNP

ClinVar aggregate classification (germline): Conflicting classifications of pathogenicity. Review status: criteria provided, conflicting classifications (1 of 4 stars). 6 submissions from 6 submitters: Uncertain significance (4); Likely benign (2). Last evaluated 2026-06-30.

Conditions:
Isolated Nonsyndromic Congenital Heart Disease.
Alagille syndrome due to a JAG1 point mutation. Also called: HEPATIC DUCTULAR HYPOPLASIA, SYNDROMATIC; JAG1-Related Alagille Syndrome; Alagille Syndrome 1. Identifiers: Orphanet 261619, Orphanet 52, MedGen C1956125, MONDO:0016862, OMIM 118450.
Cardiovascular phenotype. Identifiers: MedGen CN230736.
JAG1-related disorder. Also called: JAG1-related condition; JAG1-related disorders.

Allele frequency attached by ClinVar (database versions not stated): ExAC 0.00003; gnomAD 0.00005 and 0.00006; gnomAD exomes 0.00006 and 0.00011; TOPMed 0.00006; ESP Exome Variant Server 0.00023.
gnomAD v4.1: 178 of 1,614,064 alleles (0.011%); highest among the groups gnomAD compares: Non-Finnish European, 0.014%; no homozygotes.

Submissions (6):

PreventionGenetics, part of Exact Sciences
Classification: Uncertain significance for JAG1-related condition. Last evaluated: 2026-06-30. Review status: criteria provided, single submitter. Criteria: ACMG Guidelines, 2015. Collection method: clinical testing. Allele origin: germline.
Comment: The JAG1 c.3343G>A variant is predicted to result in the amino acid substitution p.Val1115Met. To our knowledge, this variant has not been reported in literature. This variant is reported in 0.010% of alleles in individuals of European (Non-Finnish) descent in gnomAD and has been reported in ClinVar as a variant of uncertain significance (Variation ID: 337746 ). An internal summary of amino acid substitution prediction programs gives conflicting predictions for the p.Val1115Met change (Liu et al. 2016. PMID: 26555599). Although we suspect that this variant may be benign, at this time, the clinical significance of this variant is uncertain due to the absence of conclusive functional and genetic evidence.

Labcorp Genetics (formerly Invitae), Labcorp
Classification: Likely benign for Alagille syndrome due to a JAG1 point mutation. Last evaluated: 2026-02-01. Review status: criteria provided, single submitter. Criteria: Invitae Variant Classification Sherloc (09022015). Collection method: clinical testing. Allele origin: germline.

CeGaT Center for Human Genetics Tuebingen
Classification: Uncertain significance. Last evaluated: 2024-10-01. Review status: criteria provided, single submitter. Criteria: CeGaT Center For Human Genetics Tuebingen Variant Classification Criteria Version 2. Collection method: clinical testing. Allele origin: germline. Affected: yes. Observed: 2 variant alleles.
Comment: JAG1: PP3

Ambry Genetics
Classification: Uncertain significance for Cardiovascular phenotype. Last evaluated: 2024-03-08. Review status: criteria provided, single submitter. Criteria: Ambry Variant Classification Scheme 2023. Collection method: clinical testing. Allele origin: germline.
Comment: The p.V1115M variant (also known as c.3343G>A), located in coding exon 26 of the JAG1 gene, results from a G to A substitution at nucleotide position 3343. The valine at codon 1115 is replaced by methionine, an amino acid with highly similar properties. This amino acid position is conserved. In addition, the in silico prediction for this alteration is inconclusive. Since supporting evidence is limited at this time, the clinical significance of this alteration remains unclear.

Illumina Laboratory Services, Illumina
Classification: Likely benign for Isolated Nonsyndromic Congenital Heart Disease. Last evaluated: 2018-01-12. Review status: criteria provided, single submitter. Criteria: ICSL Variant Classification Criteria 13 December 2019. Collection method: clinical testing. Allele origin: germline.
Comment: This variant was observed in the ICSL laboratory as part of a predisposition screen in an ostensibly healthy population. It had not been previously curated by ICSL or reported in the Human Gene Mutation Database (HGMD: prior to June 1st, 2018), and was therefore a candidate for classification through an automated scoring system. Utilizing variant allele frequency, disease prevalence and penetrance estimates, and inheritance mode, an automated score was calculated to assess if this variant is too frequent to cause the disease. Based on the score and internal cut-off values, a variant classified as likely benign is not then subjected to further curation. The score for this variant resulted in a classification of likely benign for this disease.

Eurofins Ntd Llc (ga)
Classification: Uncertain significance. Last evaluated: 2017-09-18. Review status: criteria provided, single submitter. Criteria: EGL Classification Definitions 2015. Collection method: clinical testing. Allele origin: germline. Observed: 4 variant alleles, 4 heterozygotes.